The following is an entry in ClinVar:

ClinVar aggregate classification (germline): Uncertain significance. Review status: criteria provided, multiple submitters, no conflicts (2 of 4 stars). 2 submissions from 2 submitters: Uncertain significance (2). Last evaluated 2025-08-01.

Conditions:
Early-infantile DEE. Also called: Early infantile epileptic encephalopathy; Early infantile epileptic encephalopathy with suppression bursts; Ohtahara syndrome. Identifiers: Orphanet 1934, MedGen C0393706, MONDO:0800491.

Allele frequency attached by ClinVar (database versions not stated): TOPMed below 0.00001; ExAC 0.00001; gnomAD exomes 0.00001.
gnomAD v4.1: 16 of 1,613,790 alleles (0.00099%); highest among the groups gnomAD compares: Non-Finnish European, 0.0012%; no homozygotes.

Submissions (2):

CeGaT Center for Human Genetics Tuebingen
Classification: Uncertain significance. Last evaluated: 2025-08-01. Review status: criteria provided, single submitter. Criteria: CeGaT Center For Human Genetics Tuebingen Variant Classification Criteria Version 2. Collection method: clinical testing. Allele origin: germline. Affected: yes. Observed: 2 variant alleles.

Labcorp Genetics (formerly Invitae), Labcorp
Classification: Uncertain significance for Early-infantile DEE. Last evaluated: 2023-05-27. Review status: criteria provided, single submitter. Criteria: Invitae Variant Classification Sherloc (09022015). Collection method: clinical testing. Allele origin: germline.
Comment: Advanced modeling of protein sequence and biophysical properties (such as structural, functional, and spatial information, amino acid conservation, physicochemical variation, residue mobility, and thermodynamic stability) performed at Invitae indicates that this missense variant is not expected to disrupt SCN8A protein function. In summary, the available evidence is currently insufficient to determine the role of this variant in disease. Therefore, it has been classified as a Variant of Uncertain Significance. ClinVar contains an entry for this variant (Variation ID: 2163829). This variant has not been reported in the literature in individuals affected with SCN8A-related conditions. This variant is present in population databases (rs776703521, gnomAD 0.003%). This sequence change replaces valine, which is neutral and non-polar, with methionine, which is neutral and non-polar, at codon 1074 of the SCN8A protein (p.Val1074Met).

NM_001330260.2(SCN8A):c.3220G>A (p.Val1074Met)

Gene: SCN8A (sodium voltage-gated channel alpha subunit 8; plus strand). Cytogenetic location: 12q13.13.
Variant type: single nucleotide variant.
Coding change: c.3220G>A on transcript NM_001330260.2 (MANE Select); coding-DNA position 3220, G replaced by A.
Protein change: p.Val1074Met; replaces valine 1074 with methionine.
Molecular consequence: missense variant.
Genome position (GRCh38, 1-based): chr12:51,769,183, G>A. VCF-style: chr12-51769183-G-A. GRCh37 (hg19) VCF-style: chr12-52162967-G-A.
Other names: c.3220G>A, p.Val1074Met (NM_001177984.3, NM_001369788.1, NM_014191.4); short protein forms V1074M.
Identifiers: ClinVar variation 2163829 (VCV002163829.17), dbSNP rs776703521, ClinGen allele CA6571561.
Genomic context (GRCh38, chr12:51,769,183, plus strand): 5'-CACCGGAATGGTGACTTCCAGAAGAATGGCAATGGCACAACCAGCGGCATTGGCAGCAGC[G>A]TGGAGAAGTACATCATTGATGAGGACCACATGTCCTTCATCAACAACCCCAACTTGACTG-3'
Protein context (NP_001317189.1, residues 1064-1084): NGTTSGIGSS[Val1074Met]EKYIIDEDHM